The following is an entry in ClinVar:

NM_205836.3(FBXO38):c.712G>C (p.Val238Leu)

Gene: FBXO38 (F-box protein 38; plus strand). Cytogenetic location: 5q32.
Variant type: single nucleotide variant.
Coding change: c.712G>C on transcript NM_205836.3 (MANE Select); coding-DNA position 712, G replaced by C.
Protein change: p.Val238Leu; replaces valine 238 with leucine.
Molecular consequence: missense variant.
Genome position (GRCh38, 1-based): chr5:148,404,804, G>C. VCF-style: chr5-148404804-G-C. GRCh37 (hg19) VCF-style: chr5-147784367-G-C.
Other names: c.712G>C, p.Val238Leu (NM_001271723.2, NM_030793.5); short protein forms V238L.
Identifiers: ClinVar variation 541009 (VCV000541009.31), dbSNP rs144890577, ClinGen allele CA3497100.
Genomic context (GRCh38, chr5:148,404,804, plus strand): 5'-GTAAGACTCACTAAACCACAGCCATTTAAAGACTTCCTTTGTATCAGCTTAAGAACTTTC[G>C]TCATGAGGAACTGTGCAGGTAATGGTACACAATTATGGTGGAATTAAACATAAGTTATTC-3'
Protein context (NP_995308.1, residues 228-248): DFLCISLRTF[Val238Leu]MRNCAGPTNS

ClinVar aggregate classification (germline): Uncertain significance. Review status: criteria provided, multiple submitters, no conflicts (2 of 4 stars). 2 submissions from 2 submitters: Uncertain significance (2). Last evaluated 2024-11-19.

Conditions:
Distal hereditary motor neuropathy type 2. Identifiers: Orphanet 139525, MedGen C3711384, MeSH C580044, MONDO:0015352.

Allele frequency attached by ClinVar (database versions not stated): TOPMed 0.00001; 1000 Genomes Project 0.00020; 1000 Genomes Project 30x 0.00031.
gnomAD v4.1: 13 of 1,606,166 alleles (0.00081%); highest among the groups gnomAD compares: African/African-American, 0.0013%; no homozygotes.

Submissions (2):

Labcorp Genetics (formerly Invitae), Labcorp
Classification: Uncertain significance for Distal hereditary motor neuropathy type 2. Last evaluated: 2024-11-19. Review status: criteria provided, single submitter. Criteria: Invitae Variant Classification Sherloc (09022015). Collection method: clinical testing. Allele origin: germline.
Comment: This sequence change replaces valine, which is neutral and non-polar, with leucine, which is neutral and non-polar, at codon 238 of the FBXO38 protein (p.Val238Leu). This variant is present in population databases (rs144890577, gnomAD 0.004%). This variant has not been reported in the literature in individuals affected with FBXO38-related conditions. This missense change has been observed in at least one individual who was not affected with FBXO38-related conditions (internal data). ClinVar contains an entry for this variant (Variation ID: 541009). Invitae Evidence Modeling of protein sequence and biophysical properties (such as structural, functional, and spatial information, amino acid conservation, physicochemical variation, residue mobility, and thermodynamic stability) indicates that this missense variant is expected to disrupt FBXO38 protein function with a positive predictive value of 80%. In summary, the available evidence is currently insufficient to determine the role of this variant in disease. Therefore, it has been classified as a Variant of Uncertain Significance.

CeGaT Center for Human Genetics Tuebingen
Classification: Uncertain significance. Last evaluated: 2023-06-01. Review status: criteria provided, single submitter. Criteria: CeGaT Center For Human Genetics Tuebingen Variant Classification Criteria Version 2. Collection method: clinical testing. Allele origin: germline. Affected: yes. Observed: 1 variant allele.